The following is an entry in ClinVar:

ClinVar aggregate classification (germline): Benign/Likely benign. Review status: criteria provided, multiple submitters, no conflicts (2 of 4 stars). 4 submissions from 4 submitters: Benign (1); Likely benign (3). Last evaluated 2025-08-18.

Conditions:
Hereditary cancer-predisposing syndrome. Also called: Neoplastic Syndromes, Hereditary; Hereditary neoplastic syndrome; Tumor predisposition; Hereditary Cancer Syndrome. Identifiers: Orphanet 140162, MedGen C0027672, MeSH D009386, MONDO:0015356.
Ataxia-telangiectasia syndrome (AT). Also called: Ataxia-telangiectasia, complementation group D; AT, COMPLEMENTATION GROUP C; LOUIS-BAR SYNDROME; Ataxia telangiectasia (A-T); Cerebello-oculocutaneous telangiectasia; Immunodeficiency with ataxia telangiectasia. Identifiers: Orphanet 100, MedGen C0004135, MONDO:0008840, OMIM 208900.
Familial cancer of breast. Also called: Hereditary breast cancer; hereditary breast carcinoma; BREAST CANCER, FAMILIAL. Identifiers: Orphanet 227535, MedGen C0346153, MONDO:0016419, OMIM 114480. Disease mechanism: loss of function.

Submissions (4):

Labcorp Genetics (formerly Invitae), Labcorp
Classification: Likely benign for Ataxia-telangiectasia syndrome. Last evaluated: 2025-08-18. Review status: criteria provided, single submitter. Criteria: Invitae Variant Classification Sherloc (09022015). Collection method: clinical testing. Allele origin: germline.

Myriad Genetics, Inc.
Classification: Benign for Familial cancer of breast. Last evaluated: 2024-04-26. Review status: criteria provided, single submitter. Criteria: Myriad Autosomal Dominant, Autosomal Recessive and X-Linked Classification Criteria (2023). Collection method: clinical testing. Allele origin: unknown.
Comment: This variant is considered benign. This variant is a silent/synonymous amino acid change and it is not expected to impact splicing.

Color Diagnostics, LLC DBA Color Health
Classification: Likely benign for Hereditary cancer-predisposing syndrome. Last evaluated: 2021-08-10. Review status: criteria provided, single submitter. Criteria: ACMG Guidelines, 2015. Collection method: clinical testing. Allele origin: germline.

Ambry Genetics
Classification: Likely benign for Hereditary cancer-predisposing syndrome. Last evaluated: 2020-01-17. Review status: criteria provided, single submitter. Criteria: Ambry Variant Classification Scheme 2023. Collection method: clinical testing. Allele origin: germline.

NM_000051.4(ATM):c.1347G>A (p.Gly449=)

Gene: ATM (ATM serine/threonine kinase; plus strand). Cytogenetic location: 11q22.3.
Variant type: single nucleotide variant.
Coding change: c.1347G>A on transcript NM_000051.4 (MANE Select); coding-DNA position 1347, G replaced by A.
Protein change: p.Gly449=; no amino-acid change (glycine 449 retained).
Molecular consequence: synonymous variant.
Genome position (GRCh38, 1-based): chr11:108,250,812, G>A. VCF-style: chr11-108250812-G-A. GRCh37 (hg19) VCF-style: chr11-108121539-G-A.
Other names: c.1347G>A, p.Gly449= (NM_001351834.2).
Identifiers: ClinVar variation 793820 (VCV000793820.16), dbSNP rs1591523440, ClinGen allele CA476671933.
Genomic context (GRCh38, chr11:108,250,812, plus strand): 5'-CTGTGAGCTGTCTCCATTACTGATGATACTATCTCAGCTTCTACCCCAACAGCGACATGG[G>A]GAACGTACACCATATGTGTTACGATGCCTTACGGAAGTTGCATTGTGTCAAGACAAGAGG-3'
Protein context (NP_000042.3, residues 439-459): LSQLLPQQRH[Gly449=]ERTPYVLRCL